The following is an entry in ClinVar:

NM_001080397.3(SLC45A1):c.938C>G (p.Ser313Cys)

Gene: SLC45A1 (solute carrier family 45 member 1; plus strand). Cytogenetic location: 1p36.23.
Variant type: single nucleotide variant.
Coding change: c.938C>G on transcript NM_001080397.3 (MANE Select); coding-DNA position 938, C replaced by G.
Protein change: p.Ser313Cys; replaces serine 313 with cysteine.
Molecular consequence: missense variant.
Genome position (GRCh38, 1-based): chr1:8,330,431, C>G. VCF-style: chr1-8330431-C-G. GRCh37 (hg19) VCF-style: chr1-8390491-C-G.
Other names: c.938C>G, p.Ser313Cys (NM_001379614.1); c.845C>G, p.Ser282Cys (NM_001379615.1, NM_001379616.1); c.332C>G, p.Ser111Cys (NM_001379617.1, NM_001379618.1); short protein forms S282C, S313C, S111C.
Identifiers: ClinVar variation 1029022 (VCV001029022.1), dbSNP rs927593220, ClinGen allele CA338163594.

ClinVar aggregate classification (germline): Uncertain significance (1 of 4 stars; one submission).

Conditions:
Intellectual developmental disorder with neuropsychiatric features. Identifiers: MedGen C4479636, MONDO:0044322, OMIM 617532.

Allele frequency attached by ClinVar (database versions not stated): gnomAD exomes below 0.00001.
gnomAD v4.1: 2 of 1,611,420 alleles (0.00012%); highest among the groups gnomAD compares: Non-Finnish European, 0.00017%; no homozygotes.

Submission:

Baylor Genetics
Classification: Uncertain significance for Intellectual developmental disorder with neuropsychiatric features. Last evaluated: 2019-11-07. Review status: criteria provided, single submitter. Criteria: ACMG Guidelines, 2015. Collection method: clinical testing. Allele origin: unknown. Affected: yes.
Comment: This variant was determined to be of uncertain significance according to ACMG Guidelines, 2015 [PMID:25741868].